The following is an entry in ClinVar:

NM_000355.4(TCN2):c.751C>G (p.Gln251Glu)

Gene: TCN2 (transcobalamin 2; plus strand). Cytogenetic location: 22q12.2.
Variant type: single nucleotide variant.
Coding change: c.751C>G on transcript NM_000355.4 (MANE Select); coding-DNA position 751, C replaced by G.
Protein change: p.Gln251Glu; replaces glutamine 251 with glutamic acid.
Molecular consequence: missense variant.
Genome position (GRCh38, 1-based): chr22:30,615,471, C>G. VCF-style: chr22-30615471-C-G. GRCh37 (hg19) VCF-style: chr22-31011458-C-G.
Other names: c.670C>G, p.Gln224Glu (NM_001184726.2); short protein forms Q224E, Q251E.
Identifiers: ClinVar variation 4730212 (VCV004730212.1).

ClinVar aggregate classification (germline): Uncertain significance (1 of 4 stars; one submission).

Conditions:
Transcobalamin II deficiency (TCN2D). Also called: TC II DEFICIENCY; TCN2 DEFICIENCY; Transcolabamin II deficiency. Identifiers: Orphanet 859, MedGen C0342701, MONDO:0010149, OMIM 275350.

Submission:

Labcorp Genetics (formerly Invitae), Labcorp
Classification: Uncertain significance for Transcobalamin II deficiency. Last evaluated: 2026-01-19. Review status: criteria provided, single submitter. Criteria: Invitae Variant Classification Sherloc (09022015). Collection method: clinical testing. Allele origin: germline.
Comment: This sequence change replaces glutamine, which is neutral and polar, with glutamic acid, which is acidic and polar, at codon 251 of the TCN2 protein (p.Gln251Glu). This variant is not present in population databases (gnomAD no frequency). This variant has not been reported in the literature in individuals affected with TCN2-related conditions. An algorithm developed to predict the effect of missense changes on protein structure and function (PolyPhen-2) suggests that this variant is likely to be disruptive. In summary, the available evidence is currently insufficient to determine the role of this variant in disease. Therefore, it has been classified as a Variant of Uncertain Significance.